The following is an entry in ClinVar:

NM_001372051.1(CASP8):c.505A>C (p.Lys169Gln)

Gene: CASP8 (caspase 8; plus strand). Cytogenetic location: 2q33.1.
Variant type: single nucleotide variant.
Coding change: c.505A>C on transcript NM_001372051.1 (MANE Select); coding-DNA position 505, A replaced by C.
Protein change: p.Lys169Gln; replaces lysine 169 with glutamine.
Molecular consequence: missense variant. On other transcripts: 5 prime UTR variant (11), non-coding transcript variant (22).
Genome position (GRCh38, 1-based): chr2:201,272,731, A>C. VCF-style: chr2-201272731-A-C. GRCh37 (hg19) VCF-style: chr2-202137454-A-C.
Other names: c.505A>C, p.Lys169Gln (NM_001080124.2, NM_001400645.1, NM_001400648.1 and 20 more transcripts); c.682A>C, p.Lys228Gln (NM_001080125.2, NM_001400642.1, NM_001400665.1); c.601A>C, p.Lys201Gln (NM_001228.5); c.196A>C, p.Lys66Gln (NM_001400669.1); c.-28A>C (NM_001400671.1, NM_001400672.1, NM_001400673.1 and 6 more transcripts); c.-209A>C (NM_001400674.1); c.-107A>C (NM_001400680.1); short protein forms K201Q, K169Q, K228Q, K66Q.
Identifiers: ClinVar variation 1930115 (VCV001930115.3), dbSNP rs2470084562, ClinGen allele CA350289416.
Genomic context (GRCh38, chr2:201,272,731, plus strand): 5'-AGGGTCATCCTGGGAGAAGGAAAGTTGGACATCCTGAAAAGAGTCTGTGCCCAAATCAAC[A>C]AGAGCCTGCTGAAGATAATCAACGACTATGAAGAATTCAGCAAAGGTAGAAACAACCTGA-3'
Protein context (NP_001358980.1, residues 159-179): ILKRVCAQIN[Lys169Gln]SLLKIINDYE

ClinVar aggregate classification (germline): Uncertain significance (1 of 4 stars; one submission).

Conditions:
Autoimmune lymphoproliferative syndrome type 2B. Also called: AUTOIMMUNE LYMPHOPROLIFERATIVE SYNDROME, TYPE IIB. Identifiers: Orphanet 275517, MedGen C1846545, MONDO:0011804, OMIM 607271.

Allele frequency attached by ClinVar (database versions not stated): gnomAD exomes below 0.00001.

Submission:

Labcorp Genetics (formerly Invitae), Labcorp
Classification: Uncertain significance for Autoimmune lymphoproliferative syndrome type 2B. Last evaluated: 2022-08-22. Review status: criteria provided, single submitter. Criteria: Invitae Variant Classification Sherloc (09022015). Collection method: clinical testing. Allele origin: germline.
Comment: This sequence change replaces lysine, which is basic and polar, with glutamine, which is neutral and polar, at codon 201 of the CASP8 protein (p.Lys201Gln). This variant is not present in population databases (gnomAD no frequency). In summary, the available evidence is currently insufficient to determine the role of this variant in disease. Therefore, it has been classified as a Variant of Uncertain Significance. Algorithms developed to predict the effect of missense changes on protein structure and function (SIFT, PolyPhen-2, Align-GVGD) all suggest that this variant is likely to be tolerated. This variant has not been reported in the literature in individuals affected with CASP8-related conditions.